The following is an entry in ClinVar:

ClinVar aggregate classification (germline): Likely benign. Review status: criteria provided, multiple submitters, no conflicts (2 of 4 stars). 2 submissions from 2 submitters: Likely benign (2). Last evaluated 2026-09-01.

Allele frequency attached by ClinVar (database versions not stated): gnomAD exomes 0.00058; ExAC 0.00059; gnomAD 0.00067 and 0.00072; TOPMed 0.00077; ESP Exome Variant Server 0.00108.
gnomAD v4.1: 1,812 of 1,604,774 alleles (0.11%); highest among the groups gnomAD compares: Non-Finnish European, 0.14%; 3 homozygotes.

Submissions (2):

CeGaT Center for Human Genetics Tuebingen
Classification: Likely benign. Last evaluated: 2026-09-01. Review status: criteria provided, single submitter. Criteria: CeGaT Center For Human Genetics Tuebingen Variant Classification Criteria Version 2. Collection method: clinical testing. Allele origin: germline. Affected: yes. Observed: 2 variant alleles.
Comment: FAN1: BP4, BP7

Labcorp Genetics (formerly Invitae), Labcorp
Classification: Likely benign. Last evaluated: 2025-12-23. Review status: criteria provided, single submitter. Criteria: Invitae Variant Classification Sherloc (09022015). Collection method: clinical testing. Allele origin: germline.

NM_014967.5(FAN1):c.2058C>T (p.Ala686=)

Genes: FAN1 (FANCD2 and FANCI associated nuclease 1; plus strand), MTMR10 (myotubularin related protein 10; minus strand). Cytogenetic location: 15q13.3.
Variant type: single nucleotide variant.
Coding change: c.2058C>T on transcript NM_014967.5 (MANE Select); coding-DNA position 2058, C replaced by T.
Protein change: p.Ala686=; no amino-acid change (alanine 686 retained).
Molecular consequence: synonymous variant.
Genome position (GRCh38, 1-based): chr15:30,922,240, C>T. VCF-style: chr15-30922240-C-T. GRCh37 (hg19) VCF-style: chr15-31214443-C-T.
Identifiers: ClinVar variation 717232 (VCV000717232.40), dbSNP rs144723412, ClinGen allele CA7450487.